The following is an entry in ClinVar:

ClinVar aggregate classification (germline): Pathogenic. Review status: criteria provided, multiple submitters, no conflicts (2 of 4 stars). 3 submissions from 3 submitters: Pathogenic (3). Last evaluated 2023-07-31.

Conditions:
Kabuki syndrome. Also called: NIIKAWA-KUROKI SYNDROME; Kabuki make-up syndrome. Identifiers: Orphanet 2322, MedGen C0796004, MONDO:0016512.
Kabuki syndrome 1 (KABUK1). Also called: KMT2D-Related Kabuki Syndrome. Identifiers: Orphanet 2322, MedGen CN030661, MONDO:0007843, OMIM 147920.

Submissions (3):

Labcorp Genetics (formerly Invitae), Labcorp
Classification: Pathogenic for Kabuki syndrome. Last evaluated: 2023-07-31. Review status: criteria provided, single submitter. Criteria: Invitae Variant Classification Sherloc (09022015). Collection method: clinical testing. Allele origin: germline.
Comment: For these reasons, this variant has been classified as Pathogenic. ClinVar contains an entry for this variant (Variation ID: 194381). This premature translational stop signal has been observed in individual(s) with clinical features of Kabuki syndrome and/or cardiac findings (PMID: 23320472, 30287924). The frequency data for this variant in the population databases is considered unreliable, as metrics indicate poor data quality at this position in the gnomAD database. This sequence change creates a premature translational stop signal (p.Ala1390Glyfs*42) in the KMT2D gene. It is expected to result in an absent or disrupted protein product. Loss-of-function variants in KMT2D are known to be pathogenic (PMID: 22126750).

Victorian Clinical Genetics Services, Murdoch Childrens Research Institute
Classification: Pathogenic for Kabuki syndrome 1. Last evaluated: 2022-09-02. Review status: criteria provided, single submitter. Criteria: ACMG Guidelines, 2015. Collection method: clinical testing. Allele origin: germline. Inheritance: Autosomal dominant inheritance. Affected: yes.
Comment: Based on the classification scheme VCGS_Germline_v1.3.4, this variant is classified as Pathogenic. Following criteria are met: 0102 - Loss of function is a known mechanism of disease in this gene and is associated with Kabuki syndrome 1 (MIM#147920). (I) 0107 - This gene is associated with autosomal dominant disease. (I) 0201 - Variant is predicted to cause nonsense-mediated decay (NMD) and loss of protein (premature termination codon is located at least 54 nucleotides upstream of the final exon-exon junction). (SP) 0251 - This variant is heterozygous. (I) 0302 - Variant is present in gnomAD (v3) <0.001 for a dominant condition (1 heterozygotes, 0 homozygotes). (SP) 0701 - Other NMD-predicted variants comparable to the one identified in this case have very strong previous evidence for pathogenicity (ClinVar). (SP) 0803 - This variant has limited previous evidence of pathogenicity in unrelated individuals. This variant has been classified as pathogenic by a clinical laboratory in ClinVar, and identified in an individual with Kabuki syndrome in the literature (PMID: 23320472). (SP) Legend: (SP) - Supporting pathogenic, (I) - Information, (SB) - Supporting benign

Eurofins Ntd Llc (ga)
Classification: Pathogenic. Last evaluated: 2015-03-27. Review status: criteria provided, single submitter. Criteria: EGL Classification Definitions. Collection method: clinical testing. Allele origin: germline. Observed: 1 variant allele, 1 heterozygote.

Literature cited by the submitters: PubMed 23320472 (cited by Labcorp Genetics (formerly Invitae), Labcorp and Victorian Clinical Genetics Services, Murdoch Childrens Research Institute); PubMed 30287924 (cited by Labcorp Genetics (formerly Invitae), Labcorp); PubMed 22126750 (cited by Labcorp Genetics (formerly Invitae), Labcorp).

NM_003482.4(KMT2D):c.4168dup (p.Ala1390fs)

Gene: KMT2D (lysine methyltransferase 2D; minus strand). Cytogenetic location: 12q13.12.
Variant type: Duplication.
Coding change: c.4168dup on transcript NM_003482.4 (MANE Select); coding-DNA position 4168, one base duplicated (G; older notation c.4168dupG).
Protein change: p.Ala1390fs; shifts the reading frame from alanine 1390.
Molecular consequence: frameshift variant.
Genome position (GRCh38, 1-based): chr12:49,048,033, C duplicated on the plus strand (G on the coding strand, the reverse complement: KMT2D is on the minus strand); the first of 6 consecutive C bases (chr12:49,048,033-49,048,038); duplicating any one gives the same sequence. VCF-style (leftmost placement, unchanged base first): chr12-49048032-G-GC. GRCh37 (hg19) VCF-style: chr12-49441815-G-GC.
Other names: short protein forms A1390fs.
Identifiers: ClinVar variation 194381 (VCV000194381.10), dbSNP rs756471180, ClinGen allele CA275008.